The following is an entry in ClinVar:

ClinVar aggregate classification (germline): Uncertain significance (1 of 4 stars; one submission).

Submission:

Labcorp Genetics (formerly Invitae), Labcorp
Classification: Uncertain significance. Last evaluated: 2025-07-16. Review status: criteria provided, single submitter. Criteria: Invitae Variant Classification Sherloc (09022015). Collection method: clinical testing. Allele origin: germline.
Comment: This sequence change replaces alanine, which is neutral and non-polar, with aspartic acid, which is acidic and polar, at codon 220 of the FSCN2 protein (p.Ala220Asp). This variant is not present in population databases (gnomAD no frequency). This variant has not been reported in the literature in individuals affected with FSCN2-related conditions. ClinVar contains an entry for this variant (Variation ID: 3621038). An algorithm developed to predict the effect of missense changes on protein structure and function (PolyPhen-2) suggests that this variant is likely to be disruptive. In summary, the available evidence is currently insufficient to determine the role of this variant in disease. Therefore, it has been classified as a Variant of Uncertain Significance.

NM_012418.4(FSCN2):c.659C>A (p.Ala220Asp)

Gene: FSCN2 (fascin actin-bundling protein 2, retinal; plus strand). Cytogenetic location: 17q25.3.
Variant type: single nucleotide variant.
Coding change: c.659C>A on transcript NM_012418.4 (MANE Select); coding-DNA position 659, C replaced by A.
Protein change: p.Ala220Asp; replaces alanine 220 with aspartic acid.
Molecular consequence: missense variant.
Genome position (GRCh38, 1-based): chr17:81,529,190, C>A. VCF-style: chr17-81529190-C-A. GRCh37 (hg19) VCF-style: chr17-79496216-C-A.
Other names: c.659C>A, p.Ala220Asp (NM_001077182.3); short protein forms A220D.
Identifiers: ClinVar variation 3621038 (VCV003621038.2).